The following is an entry in ClinVar:

NM_001136191.3(KANK2):c.2036A>G (p.Asn679Ser)

Gene: KANK2 (KN motif and ankyrin repeat domains 2; minus strand). Cytogenetic location: 19p13.2.
Variant type: single nucleotide variant.
Coding change: c.2036A>G on transcript NM_001136191.3 (MANE Select); coding-DNA position 2036, A replaced by G.
Protein change: p.Asn679Ser; replaces asparagine 679 with serine.
Molecular consequence: missense variant.
Genome position (GRCh38, 1-based): chr19:11,174,505, T>C on the plus strand (A>G on the coding strand, the complement: KANK2 is on the minus strand). VCF-style: chr19-11174505-T-C. GRCh37 (hg19) VCF-style: chr19-11285181-T-C.
Other names: c.2036A>G, p.Asn679Ser (NM_001329451.2, NM_001379555.1, NM_001379556.1 and 7 more transcripts); c.2060A>G, p.Asn687Ser (NM_001379548.1, NM_001379549.1, NM_001379550.1 and 5 more transcripts); short protein forms N679S, N687S.
Identifiers: ClinVar variation 3355611 (VCV003355611.1).

ClinVar aggregate classification (germline): Uncertain significance (0 of 4 stars; one submission).

Conditions:
KANK2-related disorder. Also called: KANK2-related condition.

gnomAD v4.1: 28 of 1,613,146 alleles (0.0017%); highest among the groups gnomAD compares: South Asian, 0.013%; no homozygotes.

Submission:

PreventionGenetics, part of Exact Sciences
Classification: Uncertain significance for KANK2-related condition. Last evaluated: 2024-05-09. Review status: no assertion criteria provided. Collection method: clinical testing. Allele origin: germline.
Comment: The KANK2 c.2060A>G variant is predicted to result in the amino acid substitution p.Asn687Ser. To our knowledge, this variant has not been reported in the literature. This variant is reported in 0.013% of alleles in individuals of South Asian descent in gnomAD. At this time, the clinical significance of this variant is uncertain due to the absence of conclusive functional and genetic evidence.